The following is an entry in ClinVar:

ClinVar aggregate classification (germline): Uncertain significance (1 of 4 stars; one submission).

Submission:

Labcorp Genetics (formerly Invitae), Labcorp
Classification: Uncertain significance. Last evaluated: 2025-06-23. Review status: criteria provided, single submitter. Criteria: Invitae Variant Classification Sherloc (09022015). Collection method: clinical testing. Allele origin: germline.
Comment: This variant, c.4742_4774del, results in the deletion of 11 amino acid(s) of the POLE protein (p.Gly1581_Trp1591del), but otherwise preserves the integrity of the reading frame. This variant is not present in population databases (gnomAD no frequency). This variant has not been reported in the literature in individuals affected with POLE-related conditions. ClinVar contains an entry for this variant (Variation ID: 1500324). Experimental studies and prediction algorithms are not available or were not evaluated, and the functional significance of this variant is currently unknown. In summary, the available evidence is currently insufficient to determine the role of this variant in disease. Therefore, it has been classified as a Variant of Uncertain Significance.

NM_006231.4(POLE):c.4742_4774del (p.Gly1581_Trp1591del)

Gene: POLE (DNA polymerase epsilon, catalytic subunit; minus strand). Cytogenetic location: 12q24.33.
Variant type: Deletion.
Coding change: c.4742_4774del on transcript NM_006231.4 (MANE Select); coding-DNA positions 4742 to 4774, 33 bases deleted.
Protein change: p.Gly1581_Trp1591del.
Molecular consequence: inframe deletion.
Genome position (GRCh38, 1-based): chr12:132,642,684-132,642,716, 33 bases deleted; deleting any 33 consecutive bases within chr12:132,642,684-132,642,719 gives the same sequence; the c. name uses the placement nearest the transcript's 3' end. GRCh37 (hg19): chr12:133,219,273-133,219,305.
Identifiers: ClinVar variation 1500324 (VCV001500324.8), dbSNP rs2138536389, ClinGen allele CA2573148253.